The following is an entry in ClinVar:

ClinVar aggregate classification (germline): Uncertain significance (1 of 4 stars; one submission).

Allele frequency attached by ClinVar (database versions not stated): gnomAD 0.00001; ExAC 0.00002; TOPMed 0.00003.

Submission:

Labcorp Genetics (formerly Invitae), Labcorp
Classification: Uncertain significance. Last evaluated: 2021-12-24. Review status: criteria provided, single submitter. Criteria: Invitae Variant Classification Sherloc (09022015). Collection method: clinical testing. Allele origin: germline.
Comment: This sequence change replaces glycine, which is neutral and non-polar, with serine, which is neutral and polar, at codon 103 of the TYRP1 protein (p.Gly103Ser). This variant is present in population databases (rs773977634, gnomAD 0.01%). This variant has not been reported in the literature in individuals affected with TYRP1-related conditions. Algorithms developed to predict the effect of missense changes on protein structure and function are either unavailable or do not agree on the potential impact of this missense change (SIFT: "Deleterious"; PolyPhen-2: "Possibly Damaging"; Align-GVGD: "Class C0"). Algorithms developed to predict the effect of sequence changes on RNA splicing suggest that this variant may create or strengthen a splice site. In summary, the available evidence is currently insufficient to determine the role of this variant in disease. Therefore, it has been classified as a Variant of Uncertain Significance.

NM_000550.3(TYRP1):c.307G>A (p.Gly103Ser)

Gene: TYRP1 (tyrosinase related protein 1; plus strand). Cytogenetic location: 9p23.
Variant type: single nucleotide variant.
Coding change: c.307G>A on transcript NM_000550.3 (MANE Select); coding-DNA position 307, G replaced by A.
Protein change: p.Gly103Ser; replaces glycine 103 with serine.
Molecular consequence: missense variant.
Genome position (GRCh38, 1-based): chr9:12,694,303, G>A. VCF-style: chr9-12694303-G-A. GRCh37 (hg19) VCF-style: chr9-12694303-G-A.
Other names: short protein forms G103S.
Identifiers: ClinVar variation 2193266 (VCV002193266.1), dbSNP rs773977634, ClinGen allele CA4985161.